The following is an entry in ClinVar:

NM_003873.7(NRP1):c.1854C>G (p.Phe618Leu)

Gene: NRP1 (neuropilin 1; minus strand). Cytogenetic location: 10p11.22.
Variant type: single nucleotide variant.
Coding change: c.1854C>G on transcript NM_003873.7 (MANE Select); coding-DNA position 1854, C replaced by G.
Protein change: p.Phe618Leu; replaces phenylalanine 618 with leucine.
Molecular consequence: missense variant. On other transcripts: intron variant (3).
Genome position (GRCh38, 1-based): chr10:33,202,901, G>C on the plus strand (C>G on the coding strand, the complement: NRP1 is on the minus strand). VCF-style: chr10-33202901-G-C. GRCh37 (hg19) VCF-style: chr10-33491829-G-C.
Other names: c.1854C>G, p.Phe618Leu (NM_001024628.3, NM_001330068.2); c.1843+11C>G (NM_001244973.2, NM_001244972.2); c.1759+4671C>G (NM_001024629.3); short protein forms F618L.
Identifiers: ClinVar variation 3355087 (VCV003355087.2).
Genomic context (GRCh38, chr10:33,202,901, plus strand): 5'-AAGACATGAACTGAAATGGTACAGCAATGGGATGAAGATGGTTTCTGCACCTGTGAGCTG[G>C]AAGTCATCACCTGTTCCACTGTGGCAGTTGGCCTGGTCGTCATCACATTCATCCACCAAG-3'
Protein context (NP_003864.5, residues 608-628): ANCHSGTGDD[Phe618Leu]QLTGGTTVLA

ClinVar aggregate classification (germline): Uncertain significance. Review status: criteria provided, single submitter (1 of 4 stars). 2 submissions from 2 submitters: Uncertain significance (1). 1 of the submissions does not count toward it. Last evaluated 2025-08-04.

Conditions:
NRP1-related disorder. Also called: NRP1-related condition.

gnomAD v4.1: 1 of 1,614,202 alleles (0.000062%); highest among the groups gnomAD compares: Non-Finnish European, 0.000085%; no homozygotes.

Submissions (2):

Ambry Genetics
Classification: Uncertain significance. Last evaluated: 2025-08-04. Review status: criteria provided, single submitter. Criteria: Ambry Variant Classification Scheme 2023. Collection method: clinical testing. Allele origin: germline.

PreventionGenetics, part of Exact Sciences
Classification: Uncertain significance for NRP1-related condition. Last evaluated: 2024-07-08. Review status: no assertion criteria provided. Collection method: clinical testing. Allele origin: germline. Not counted in ClinVar's aggregate classification.
Comment: The NRP1 c.1854C>G variant is predicted to result in the amino acid substitution p.Phe618Leu. To our knowledge, this variant has not been reported in the literature. This variant is reported in 0.0065% of alleles in individuals of European (Non-Finnish) descent in gnomAD. At this time, the clinical significance of this variant is uncertain due to the absence of conclusive functional and genetic evidence.